The following is an entry in ClinVar:

NM_020458.4(TTC7A):c.1382C>T (p.Ser461Phe)

Gene: TTC7A (tetratricopeptide repeat domain 7A; plus strand). Cytogenetic location: 2p21.
Variant type: single nucleotide variant.
Coding change: c.1382C>T on transcript NM_020458.4 (MANE Select); coding-DNA position 1382, C replaced by T.
Protein change: p.Ser461Phe; replaces serine 461 with phenylalanine.
Molecular consequence: missense variant.
Genome position (GRCh38, 1-based): chr2:47,011,425, C>T. VCF-style: chr2-47011425-C-T. GRCh37 (hg19) VCF-style: chr2-47238564-C-T.
Other names: c.1382C>T, p.Ser461Phe (NM_001288951.2); c.1280C>T, p.Ser427Phe (NM_001288953.2); c.320C>T, p.Ser107Phe (NM_001288955.2); short protein forms S107F, S427F, S461F.
Identifiers: ClinVar variation 836151 (VCV000836151.9), dbSNP rs142490773, ClinGen allele CA1647637.
Genomic context (GRCh38, chr2:47,011,425, plus strand): 5'-TGAAGTTGCGGCCCTCGGACCCCACCGTGCCCCTGATGGCCGCGAAGGTCTGCATCGGGT[C>T]CCTTCGCTGGGTGAGTGAGCTGTGAGGGCAGGTCCCAGAGGCCTCCTGTGGGGAGGGTGG-3'
Protein context (NP_065191.2, residues 451-471): PLMAAKVCIG[Ser461Phe]LRWLEEAEHF

ClinVar aggregate classification (germline): Uncertain significance (1 of 4 stars; one submission).

Conditions:
Multiple gastrointestinal atresias. Also called: Multiple intestinal atresia; FAMILIAL INTESTINAL POLYATRESIA SYNDROME. Identifiers: Orphanet 2300, MedGen C0220744, MONDO:0009465.

Allele frequency attached by ClinVar (database versions not stated): ExAC 0.00001; gnomAD 0.00001; gnomAD exomes 0.00001; TOPMed 0.00001; ESP Exome Variant Server 0.00008.
gnomAD v4.1: 39 of 1,606,312 alleles (0.0024%); highest among the groups gnomAD compares: Non-Finnish European, 0.0033%; no homozygotes.

Submission:

Labcorp Genetics (formerly Invitae), Labcorp
Classification: Uncertain significance for Multiple gastrointestinal atresias. Last evaluated: 2022-06-22. Review status: criteria provided, single submitter. Criteria: Invitae Variant Classification Sherloc (09022015). Collection method: clinical testing. Allele origin: germline.
Comment: This variant has not been reported in the literature in individuals affected with TTC7A-related conditions. ClinVar contains an entry for this variant (Variation ID: 836151). Algorithms developed to predict the effect of missense changes on protein structure and function are either unavailable or do not agree on the potential impact of this missense change (SIFT: "Deleterious"; PolyPhen-2: "Benign"; Align-GVGD: "Class C0"). In summary, the available evidence is currently insufficient to determine the role of this variant in disease. Therefore, it has been classified as a Variant of Uncertain Significance. This variant is present in population databases (rs142490773, gnomAD 0.002%). This sequence change replaces serine, which is neutral and polar, with phenylalanine, which is neutral and non-polar, at codon 461 of the TTC7A protein (p.Ser461Phe).